The following is an entry in ClinVar:

ClinVar aggregate classification (germline): Uncertain significance. Review status: criteria provided, multiple submitters, no conflicts (2 of 4 stars). 3 submissions from 3 submitters: Uncertain significance (2). 1 of the submissions does not count toward it. Last evaluated 2025-01-06.

Conditions:
EPS8L2-related disorder. Also called: EPS8L2-related condition.

Allele frequency attached by ClinVar (database versions not stated): gnomAD exomes 0.00026 and 0.00043; gnomAD 0.00035 and 0.00038; TOPMed 0.00035; ExAC 0.00076.
gnomAD v4.1: 381 of 1,387,014 alleles (0.027%); highest among the groups gnomAD compares: Non-Finnish European, 0.03%; no homozygotes.

Submissions (3):

Labcorp Genetics (formerly Invitae), Labcorp
Classification: Uncertain significance. Last evaluated: 2025-01-06. Review status: criteria provided, single submitter. Criteria: Invitae Variant Classification Sherloc (09022015). Collection method: clinical testing. Allele origin: germline.
Comment: This sequence change replaces aspartic acid, which is acidic and polar, with asparagine, which is neutral and polar, at codon 553 of the EPS8L2 protein (p.Asp553Asn). This variant is present in population databases (rs201169986, gnomAD 0.3%). This variant has not been reported in the literature in individuals affected with EPS8L2-related conditions. ClinVar contains an entry for this variant (Variation ID: 1449791). An algorithm developed to predict the effect of missense changes on protein structure and function (PolyPhen-2) suggests that this variant¬†is likely to be tolerated. In summary, the available evidence is currently insufficient to determine the role of this variant in disease. Therefore, it has been classified as a Variant of Uncertain Significance.

Blueprint Genetics
Classification: Uncertain significance. Last evaluated: 2024-11-01. Review status: criteria provided, single submitter. Criteria: ACMG Guidelines, 2015. Collection method: clinical testing. Allele origin: germline.

PreventionGenetics, part of Exact Sciences
Classification: Likely benign for EPS8L2-related condition. Last evaluated: 2024-05-29. Review status: no assertion criteria provided. Collection method: clinical testing. Allele origin: germline. Not counted in ClinVar's aggregate classification.
Comment: This variant is classified as likely benign based on ACMG/AMP sequence variant interpretation guidelines (Richards et al. 2015 PMID: 25741868, with internal and published modifications).

NM_022772.4(EPS8L2):c.1657G>A (p.Asp553Asn)

Genes: EPS8L2 (EPS8 signaling adaptor L2; plus strand), LOC130005080 (ATAC-STARR-seq lymphoblastoid silent region 3020; plus strand). Cytogenetic location: 11p15.5.
Variant type: single nucleotide variant.
Coding change: c.1657G>A on transcript NM_022772.4 (MANE Select); coding-DNA position 1657, G replaced by A.
Protein change: p.Asp553Asn; replaces aspartic acid 553 with asparagine.
Molecular consequence: missense variant.
Genome position (GRCh38, 1-based): chr11:725,824, G>A. VCF-style: chr11-725824-G-A. GRCh37 (hg19) VCF-style: chr11-725824-G-A.
Other names: c.1657G>A (NM_022772.3); short protein forms D553N.
Identifiers: ClinVar variation 1449791 (VCV001449791.8), dbSNP rs201169986, ClinGen allele CA5787718.
Genomic context (GRCh38, chr11:725,824, plus strand): 5'-AGCCGCAGCGGCCAGGCGGGGTACGTGCCCTGCAACATCCTAGGCGAGGCGCGACCGGAG[G>A]ACGCCGGCGCCCCGTTCGAGCAGGTGAGCCCGCGGGGGTCCCTGGGGTCGCAGCCCCCAG-3'
Protein context (NP_073609.2, residues 543-563): CNILGEARPE[Asp553Asn]AGAPFEQAGQ